The following is an entry in ClinVar:

NM_000038.6(APC):c.466G>C (p.Asp156His)

Gene: APC (APC regulator of Wnt signaling pathway; plus strand). Cytogenetic location: 5q22.2.
Variant type: single nucleotide variant.
Coding change: c.466G>C on transcript NM_000038.6 (MANE Select); coding-DNA position 466, G replaced by C.
Protein change: p.Asp156His; replaces aspartic acid 156 with histidine.
Molecular consequence: missense variant. On other transcripts: 5 prime UTR variant (1).
Genome position (GRCh38, 1-based): chr5:112,775,672, G>C. VCF-style: chr5-112775672-G-C. GRCh37 (hg19) VCF-style: chr5-112111369-G-C.
Other names: c.466G>C, p.Asp156His (NM_001127510.3, NM_001354895.2, NM_001354896.2 and 2 more transcripts); c.496G>C, p.Asp166His (NM_001127511.3, NM_001354897.2, NM_001354902.2); c.391G>C, p.Asp131His (NM_001354898.2, NM_001354904.2); c.289G>C, p.Asp97His (NM_001354900.2, NM_001354901.2, NM_001354905.2); c.-570G>C (NM_001354906.2); short protein forms D156H, D166H, D131H, D97H.
Identifiers: ClinVar variation 490282 (VCV000490282.14), dbSNP rs1554071538, ClinGen allele CA16022340.

ClinVar aggregate classification (germline): Uncertain significance. Review status: criteria provided, multiple submitters, no conflicts (2 of 4 stars). 3 submissions from 3 submitters: Uncertain significance (3). Last evaluated 2022-06-13.

Conditions:
Hereditary cancer-predisposing syndrome. Also called: Hereditary Cancer Syndrome; Neoplastic Syndromes, Hereditary; Tumor predisposition; Hereditary neoplastic syndrome. Identifiers: Orphanet 140162, MedGen C0027672, MeSH D009386, MONDO:0015356.
Familial adenomatous polyposis 1 (FAP1). Also called: POLYPOSIS, ADENOMATOUS INTESTINAL; FAMILIAL ADENOMATOUS POLYPOSIS 1, ATTENUATED. Identifiers: MedGen C2713442, MONDO:0021056, OMIM 175100. Disease mechanism: loss of function.

Allele frequency attached by ClinVar (database versions not stated): gnomAD exomes below 0.00001.
gnomAD v4.1: 2 of 1,607,020 alleles (0.00012%); highest among the groups gnomAD compares: Non-Finnish European, 0.00017%; no homozygotes.

Submissions (3):

Labcorp Genetics (formerly Invitae), Labcorp
Classification: Uncertain significance for Familial adenomatous polyposis 1. Last evaluated: 2022-06-13. Review status: criteria provided, single submitter. Criteria: Invitae Variant Classification Sherloc (09022015). Collection method: clinical testing. Allele origin: germline.
Comment: In summary, the available evidence is currently insufficient to determine the role of this variant in disease. Therefore, it has been classified as a Variant of Uncertain Significance. Algorithms developed to predict the effect of missense changes on protein structure and function are either unavailable or do not agree on the potential impact of this missense change (SIFT: "Deleterious"; PolyPhen-2: "Probably Damaging"; Align-GVGD: "Class C0"). ClinVar contains an entry for this variant (Variation ID: 490282). This variant has not been reported in the literature in individuals affected with APC-related conditions. This variant is not present in population databases (gnomAD no frequency). This sequence change replaces aspartic acid, which is acidic and polar, with histidine, which is basic and polar, at codon 156 of the APC protein (p.Asp156His).

Ambry Genetics
Classification: Uncertain significance for Hereditary cancer-predisposing syndrome. Last evaluated: 2022-03-24. Review status: criteria provided, single submitter. Criteria: Ambry Variant Classification Scheme 2023. Collection method: clinical testing. Allele origin: germline.
Comment: The p.D156H variant (also known as c.466G>C), located in coding exon 4 of the APC gene, results from a G to C substitution at nucleotide position 466. The aspartic acid at codon 156 is replaced by histidine, an amino acid with similar properties. This amino acid position is well conserved in available vertebrate species. In addition, in silico predictors for this gene do not accurately predict pathogenicity. Since supporting evidence is limited at this time, the clinical significance of this alteration remains unclear.

Color Diagnostics, LLC DBA Color Health
Classification: Uncertain significance for Hereditary cancer-predisposing syndrome. Last evaluated: 2019-01-03. Review status: criteria provided, single submitter. Criteria: ACMG Guidelines, 2015. Collection method: clinical testing. Allele origin: germline.